The following is an entry in ClinVar:

NM_001849.4(COL6A2):c.2850C>T (p.Gly950=)

Gene: COL6A2 (collagen type VI alpha 2 chain; plus strand). Cytogenetic location: 21q22.3.
Variant type: single nucleotide variant.
Coding change: c.2850C>T on transcript NM_001849.4 (MANE Select); coding-DNA position 2850, C replaced by T.
Protein change: p.Gly950=; no amino-acid change (glycine 950 retained).
Molecular consequence: synonymous variant.
Genome position (GRCh38, 1-based): chr21:46,132,342, C>T. VCF-style: chr21-46132342-C-T. GRCh37 (hg19) VCF-style: chr21-47552256-C-T.
Identifiers: ClinVar variation 196122 (VCV000196122.21), dbSNP rs751192681, ClinGen allele CA242952.
Genomic context (GRCh38, chr21:46,132,342, plus strand): 5'-CAGCCCGCGTGGCGGGGCCCGGAGGCACGCAGAGCTGTCCTTCGTGTTCCTCACGGACGG[C>T]GTCACGGGCAACGACAGTCTGCACGAGTCGGCGCACTCCATGCGCAAGCAGAACGTGGTA-3'
Protein context (NP_001840.3, residues 940-960): AELSFVFLTD[Gly950=]VTGNDSLHES

ClinVar aggregate classification (germline): Conflicting classifications of pathogenicity. Review status: criteria provided, conflicting classifications (1 of 4 stars). 4 submissions from 4 submitters: Uncertain significance (1); Likely benign (2). 1 of the submissions does not count toward it. Last evaluated 2026-05-01.

Conditions:
COL6A2-related disorder.
Bethlem myopathy 1A. Also called: MYOPATHY, BENIGN CONGENITAL, WITH CONTRACTURES; Bethlem myopathy 1; Bethlem Muscular Dystrophy. Identifiers: Orphanet 610, MedGen CN029274, MONDO:0024530, OMIM 158810.

Allele frequency attached by ClinVar (database versions not stated): TOPMed 0.00008; gnomAD exomes 0.00012 and 0.00014; ExAC 0.00014; gnomAD 0.00014 and 0.00015.
gnomAD v4.1: 226 of 1,608,018 alleles (0.014%); highest among the groups gnomAD compares: Non-Finnish European, 0.018%; no homozygotes.

Submissions (4):

CeGaT Center for Human Genetics Tuebingen
Classification: Likely benign. Last evaluated: 2026-05-01. Review status: criteria provided, single submitter. Criteria: CeGaT Center For Human Genetics Tuebingen Variant Classification Criteria Version 2. Collection method: clinical testing. Allele origin: germline. Affected: yes. Observed: 2 variant alleles.
Comment: COL6A2: BP4, BP7

Labcorp Genetics (formerly Invitae), Labcorp
Classification: Likely benign for Bethlem myopathy 1A. Last evaluated: 2026-01-01. Review status: criteria provided, single submitter. Criteria: Invitae Variant Classification Sherloc (09022015). Collection method: clinical testing. Allele origin: germline.

Eurofins Ntd Llc (ga)
Classification: Uncertain significance. Last evaluated: 2016-10-04. Review status: criteria provided, single submitter. Criteria: EGL Classification Definitions 2015. Collection method: clinical testing. Allele origin: germline. Observed: 4 variant alleles, 4 heterozygotes.

PreventionGenetics, part of Exact Sciences
Classification: Likely benign for COL6A2-related condition. Last evaluated: 2022-07-28. Review status: no assertion criteria provided. Collection method: clinical testing. Allele origin: germline. Not counted in ClinVar's aggregate classification.
Comment: This variant is classified as likely benign based on ACMG/AMP sequence variant interpretation guidelines (Richards et al. 2015 PMID: 25741868, with internal and published modifications).